The following is an entry in ClinVar:

ClinVar aggregate classification (germline): Uncertain significance (1 of 4 stars; one submission).

Submission:

Ambry Genetics
Classification: Uncertain significance. Last evaluated: 2025-04-13. Review status: criteria provided, single submitter. Criteria: Ambry Variant Classification Scheme 2023. Collection method: clinical testing. Allele origin: germline.
Comment: The p.K408E variant (also known as c.1222A>G), located in coding exon 6 of the GFI1 gene, results from an A to G substitution at nucleotide position 1222. The lysine at codon 408 is replaced by glutamic acid, an amino acid with similar properties. This amino acid position is conserved. In addition, the in silico prediction for this alteration is inconclusive. Based on the available evidence, the clinical significance of this variant remains unclear.

NM_005263.5(GFI1):c.1222A>G (p.Lys408Glu)

Genes: GFI1 (growth factor independent 1 transcriptional repressor; minus strand), LOC129930930 (ATAC-STARR-seq lymphoblastoid active region 1314; plus strand). Cytogenetic location: 1p22.1.
Variant type: single nucleotide variant.
Coding change: c.1222A>G on transcript NM_005263.5 (MANE Select); coding-DNA position 1222, A replaced by G.
Protein change: p.Lys408Glu; replaces lysine 408 with glutamic acid.
Molecular consequence: missense variant.
Genome position (GRCh38, 1-based): chr1:92,476,076, T>C on the plus strand (A>G on the coding strand, the complement: GFI1 is on the minus strand). VCF-style: chr1-92476076-T-C. GRCh37 (hg19) VCF-style: chr1-92941633-T-C.
Other names: c.1222A>G, p.Lys408Glu (NM_001127215.3, NM_001127216.3); short protein forms K408E.
Identifiers: ClinVar variation 4029393 (VCV004029393.1).